The following is an entry in ClinVar:

NM_014314.4(RIGI):c.2510C>G (p.Ala837Gly)

Gene: RIGI (RNA sensor RIG-I; minus strand). Cytogenetic location: 9p21.1.
Variant type: single nucleotide variant.
Coding change: c.2510C>G on transcript NM_014314.4 (MANE Select); coding-DNA position 2510, C replaced by G.
Protein change: p.Ala837Gly; replaces alanine 837 with glycine.
Molecular consequence: missense variant.
Genome position (GRCh38, 1-based): chr9:32,457,390, G>C on the plus strand (C>G on the coding strand, the complement: RIGI is on the minus strand). VCF-style: chr9-32457390-G-C. GRCh37 (hg19) VCF-style: chr9-32457388-G-C.
Other names: c.2504C>G, p.Ala835Gly (NM_001385907.1); c.2339C>G, p.Ala780Gly (NM_001385909.1); c.2069C>G, p.Ala690Gly (NM_001385910.1); c.1901C>G, p.Ala634Gly (NM_001385912.1); c.2495C>G, p.Ala832Gly (NM_001385913.1); c.2066C>G, p.Ala689Gly (NM_001385914.1); short protein forms A634G, A689G, A835G, A690G, A832G, A837G, A780G.
Identifiers: ClinVar variation 2030981 (VCV002030981.4), dbSNP rs1213930166, ClinGen allele CA373142555.

ClinVar aggregate classification (germline): Uncertain significance (1 of 4 stars; one submission).

gnomAD v4.1: 6 of 1,613,402 alleles (0.00037%); highest among the groups gnomAD compares: Non-Finnish European, 0.00042%; no homozygotes.

Submission:

Labcorp Genetics (formerly Invitae), Labcorp
Classification: Uncertain significance. Last evaluated: 2022-09-17. Review status: criteria provided, single submitter. Criteria: Invitae Variant Classification Sherloc (09022015). Collection method: clinical testing. Allele origin: germline.
Comment: In summary, the available evidence is currently insufficient to determine the role of this variant in disease. Therefore, it has been classified as a Variant of Uncertain Significance. Advanced modeling of protein sequence and biophysical properties (such as structural, functional, and spatial information, amino acid conservation, physicochemical variation, residue mobility, and thermodynamic stability) performed at Invitae indicates that this missense variant is not expected to disrupt DDX58 protein function. This variant has not been reported in the literature in individuals affected with DDX58-related conditions. This variant is not present in population databases (gnomAD no frequency). This sequence change replaces alanine, which is neutral and non-polar, with glycine, which is neutral and non-polar, at codon 837 of the DDX58 protein (p.Ala837Gly).